The following is an entry in ClinVar:

NM_001648.2(KLK3):c.629C>G (p.Ser210Trp)

Gene: KLK3 (kallikrein related peptidase 3; plus strand). Cytogenetic location: 19q13.33.
Variant type: single nucleotide variant.
Coding change: c.629C>G on transcript NM_001648.2 (MANE Select); coding-DNA position 629, C replaced by G.
Protein change: p.Ser210Trp; replaces serine 210 with tryptophan.
Molecular consequence: missense variant.
Genome position (GRCh38, 1-based): chr19:50,858,594, C>G. VCF-style: chr19-50858594-C-G. GRCh37 (hg19) VCF-style: chr19-51361850-C-G.
Other names: c.629C>G, p.Ser210Trp (NM_001030047.1); c.500C>G, p.Ser167Trp (NM_001030048.1); short protein forms S167W, S210W.
Identifiers: ClinVar variation 3038816 (VCV003038816.2), dbSNP rs61729813, ClinGen allele CA9604510.

ClinVar aggregate classification (germline): Likely benign (0 of 4 stars; one submission).

Conditions:
KLK3-related disorder. Also called: KLK3-related condition.

Allele frequency attached by ClinVar (database versions not stated): 1000 Genomes Project 0.00319; 1000 Genomes Project 30x 0.00359; ESP Exome Variant Server 0.00838.
gnomAD v4.1: 19,589 of 1,614,060 alleles (1.2%); highest among the groups gnomAD compares: Non-Finnish European, 1.5%; 168 homozygotes.

Submission:

PreventionGenetics, part of Exact Sciences
Classification: Likely benign for KLK3-related condition. Last evaluated: 2019-02-25. Review status: no assertion criteria provided. Collection method: clinical testing. Allele origin: germline.
Comment: This variant is classified as likely benign based on ACMG/AMP sequence variant interpretation guidelines (Richards et al. 2015 PMID: 25741868, with internal and published modifications).